The following is an entry in ClinVar:

NM_001261826.3(AP3D1):c.193-64G>A

Gene: AP3D1 (adaptor related protein complex 3 subunit delta 1; minus strand). Cytogenetic location: 19p13.3.
Variant type: single nucleotide variant.
Coding change: c.193-64G>A on transcript NM_001261826.3 (MANE Select); 64 bases into the intron before coding-DNA position 193, G replaced by A.
Molecular consequence: intron variant.
Genome position (GRCh38, 1-based): chr19:2,137,871, C>T on the plus strand (G>A on the coding strand, the complement: AP3D1 is on the minus strand). VCF-style: chr19-2137871-C-T. GRCh37 (hg19) VCF-style: chr19-2137870-C-T.
Other names: c.193-64G>A (NM_003938.8, NM_001374799.1).
Identifiers: ClinVar variation 1225703 (VCV001225703.6), dbSNP rs2240658, ClinGen allele CA14651202.

ClinVar aggregate classification (germline): Benign. Review status: criteria provided, multiple submitters, no conflicts (2 of 4 stars). 3 submissions from 3 submitters: Benign (3). Last evaluated 2023-11-12.

Allele frequency attached by ClinVar (database versions not stated): 1000 Genomes Project 30x 0.22220; 1000 Genomes Project 0.22664; TOPMed 0.30526; gnomAD 0.31250 and 0.31564; gnomAD exomes 0.39600.
gnomAD v4.1: 583,753 of 1,509,288 alleles (39%); highest among the groups gnomAD compares: Non-Finnish European, 43%; 118,142 homozygotes.

Submissions (3):

Unidad de Genómica Garrahan, Hospital de Pediatría Garrahan
Classification: Benign. Last evaluated: 2023-11-12. Review status: criteria provided, single submitter. Criteria: ACMG Guidelines, 2015. Collection method: clinical testing. Allele origin: germline. Affected: no. Observed: 50 variant alleles.
Comment: This variant is classified as Benign based on local population frequency. This variant was detected in 52% of patients studied by a panel of primary immunodeficiencies. Number of patients: 50. Only high quality variants are reported.

GeneDx
Classification: Benign. Last evaluated: 2018-11-10. Review status: criteria provided, single submitter. Criteria: GeneDx Variant Classification Process June 2021. Collection method: clinical testing. Allele origin: germline. Affected: yes.

Breakthrough Genomics
Classification: Benign. Review status: criteria provided, single submitter. Criteria: ACMG Guidelines, 2015. Collection method: not provided. Allele origin: germline. Inheritance: Autosomal recessive inheritance. Affected: yes.